The following is an entry in ClinVar:

NM_024715.4(TXNDC15):c.27G>T (p.Pro9=)

Gene: TXNDC15 (thioredoxin domain containing 15; plus strand). Cytogenetic location: 5q31.1.
Variant type: single nucleotide variant.
Coding change: c.27G>T on transcript NM_024715.4 (MANE Select); coding-DNA position 27, G replaced by T.
Protein change: p.Pro9=; no amino-acid change (proline 9 retained).
Molecular consequence: synonymous variant. On other transcripts: 5 prime UTR variant (1).
Genome position (GRCh38, 1-based): chr5:134,874,454, G>T. VCF-style: chr5-134874454-G-T. GRCh37 (hg19) VCF-style: chr5-134210144-G-T.
Other names: c.-131G>T (NM_001350735.2).
Identifiers: ClinVar variation 3058651 (VCV003058651.2), dbSNP rs145492234, ClinGen allele CA3416717.

ClinVar aggregate classification (germline): Likely benign (0 of 4 stars; one submission).

Conditions:
TXNDC15-related disorder. Also called: TXNDC15-related condition.

Allele frequency attached by ClinVar (database versions not stated): ExAC 0.00009; ESP Exome Variant Server 0.00031; gnomAD 0.00031; TOPMed 0.00032.
gnomAD v4.1: 79 of 1,604,036 alleles (0.0049%); highest among the groups gnomAD compares: African/African-American, 0.1%; no homozygotes.

Submission:

PreventionGenetics, part of Exact Sciences
Classification: Likely benign for TXNDC15-related condition. Last evaluated: 2019-02-18. Review status: no assertion criteria provided. Collection method: clinical testing. Allele origin: germline.
Comment: This variant is classified as likely benign based on ACMG/AMP sequence variant interpretation guidelines (Richards et al. 2015 PMID: 25741868, with internal and published modifications).